The following is an entry in ClinVar:

ClinVar aggregate classification (germline): Pathogenic/Likely pathogenic. Review status: criteria provided, multiple submitters, no conflicts (2 of 4 stars). 4 submissions from 4 submitters: Pathogenic (1); Likely pathogenic (2). 1 of the submissions does not count toward it. Last evaluated 2026-01-26.

Conditions:
Cockayne syndrome type 1. Also called: Cockayne syndrome type I; Cockayne syndrome classical; Cockayne syndrome classic form. Identifiers: Orphanet 191, Orphanet 90321, MedGen C0751039, MONDO:0019569, OMIM 216400.

Allele frequency attached by ClinVar (database versions not stated): TOPMed 0.00004; gnomAD 0.00006.
gnomAD v4.1: 4 of 152,098 alleles (0.0026%); highest among the groups gnomAD compares: Non-Finnish European, 0.0059%; no homozygotes.

Submissions (4):

Labcorp Genetics (formerly Invitae), Labcorp
Classification: Likely pathogenic. Last evaluated: 2026-01-26. Review status: criteria provided, single submitter. Criteria: Invitae Variant Classification Sherloc (09022015). Collection method: clinical testing. Allele origin: germline.
Comment: This sequence change falls in intron 2 of the ERCC8 gene. It does not directly change the encoded amino acid sequence of the ERCC8 protein. RNA analysis indicates that this variant induces altered splicing and may result in an absent or altered protein product. This variant is present in population databases (no rsID available, gnomAD 0.01%). This variant has been observed in individual(s) with Cockayne syndrome (PMID: 29422660). It has also been observed to segregate with disease in related individuals. ClinVar contains an entry for this variant (Variation ID: 397640). Studies have shown that this variant results in the inclusion of 348 nucleotides from intron 2, and produces a non-functional protein and/or introduces a premature termination codon (PMID: 29422660). In summary, the currently available evidence indicates that the variant is pathogenic, but additional data are needed to prove that conclusively. Therefore, this variant has been classified as Likely Pathogenic.

3billion
Classification: Likely pathogenic for Cockayne syndrome type 1. Last evaluated: 2025-09-29. Review status: criteria provided, single submitter. Criteria: ACMG Guidelines, 2015. Collection method: clinical testing. Allele origin: germline. Affected: yes.
Comment: The variant is observed at an extremely low frequency in the gnomAD v4.1.0 dataset (total allele frequency: 0.003%). Predicted Consequence/Location: Intron variant: previously reported to alter splicing (PMID: 29422660). In silico tools predict the variant to alter splicing and produce an abnormal transcript [SpliceAI: 0.12 (spliceogenicity >=0.2, non-spliceogenicity <0.1)]. Intron variant: previously reported to alter splicing (PMID: 29422660). Therefore, this variant is classified as Likely pathogenic according to the recommendation of ACMG/AMP guideline.

Breda Genetics srl
Classification: Pathogenic for Cockayne syndrome type 1. Last evaluated: 2018-01-17. Review status: criteria provided, single submitter. Criteria: ACMG Guidelines, 2015. Collection method: clinical testing. Allele origin: unknown. Affected: yes. Observed: 1 variant allele, 1 compound heterozygote.
Comment: This variant is reported with an estimated allele frequency of 0.00006 in gnomAD genomes with no homozygous individuals reported. Shalk et al. detected this variant in the homozygous state in two individuals with Cockayne syndrome, and found that this deep intronic nucleotide change caused the insertion of a cryptic exon in the ERCC8 transcript. These results were validated in vitro with a reporter minigene system (PMID: 29422660).

Laboratoires de Diagnostic Génétique, Hôpitaux Universitaires de Strasbourg
Classification: Pathogenic for Cockayne syndrome type 1. Last evaluated: 2017-03-21. Review status: no assertion criteria provided. Collection method: research. Allele origin: inherited. Affected: yes and no. Observed: 4 variant alleles, 2 heterozygotes, 2 homozygotes. Not counted in ClinVar's aggregate classification.

Literature cited by the submitters: PubMed 29422660 (cited by 3 submitters).

NM_000082.4(ERCC8):c.173+1119G>C

Gene: ERCC8 (ERCC excision repair 8, CSA ubiquitin ligase complex subunit; minus strand). Cytogenetic location: 5q12.1.
Variant type: single nucleotide variant.
Coding change: c.173+1119G>C on transcript NM_000082.4 (MANE Select); 1119 bases into the intron after coding-DNA position 173, G replaced by C.
Molecular consequence: intron variant.
Genome position (GRCh38, 1-based): chr5:60,927,745, C>G on the plus strand (G>C on the coding strand, the complement: ERCC8 is on the minus strand). VCF-style: chr5-60927745-C-G. GRCh37 (hg19) VCF-style: chr5-60223572-C-G.
Other names: c.-205+1119G>C (NM_001290285.2); c.-220+1119G>C (NM_001007233.3); c.173+1119G>C (NM_001007234.3).
Identifiers: ClinVar variation 397640 (VCV000397640.12), dbSNP rs1043679457, ClinGen allele CA16609478.